The following is an entry in ClinVar:

ClinVar aggregate classification (germline): Uncertain significance. Review status: criteria provided, multiple submitters, no conflicts (2 of 4 stars). 2 submissions from 2 submitters: Uncertain significance (2). Last evaluated 2025-06-17.

Conditions:
CHARGE syndrome (CHARGE). Also called: Hittner Hirsch Kreh syndrome; CHARGE ASSOCIATION--COLOBOMA, HEART ANOMALY, CHOANAL ATRESIA, RETARDATION, GENITAL AND EAR ANOMALIES; Coloboma, heart anomaly, choanal atresia, retardation, genital and ear anomalies; CHARGE association; Hall-Hittner syndrome. Identifiers: Orphanet 138, MedGen C0265354, MONDO:0008965.

gnomAD v4.1: 1 of 1,613,450 alleles (0.000062%); highest among the groups gnomAD compares: Non-Finnish European, 0.000085%; no homozygotes.

Submissions (2):

Labcorp Genetics (formerly Invitae), Labcorp
Classification: Uncertain significance for CHARGE syndrome. Last evaluated: 2025-06-17. Review status: criteria provided, single submitter. Criteria: Invitae Variant Classification Sherloc (09022015). Collection method: clinical testing. Allele origin: germline.
Comment: This sequence change replaces lysine, which is basic and polar, with isoleucine, which is neutral and non-polar, at codon 617 of the SEMA3E protein (p.Lys617Ile). This variant is not present in population databases (gnomAD no frequency). This variant has not been reported in the literature in individuals affected with SEMA3E-related conditions. ClinVar contains an entry for this variant (Variation ID: 3794048). Invitae Evidence Modeling of protein sequence and biophysical properties (such as structural, functional, and spatial information, amino acid conservation, physicochemical variation, residue mobility, and thermodynamic stability) indicates that this missense variant is not expected to disrupt SEMA3E protein function with a negative predictive value of 80%. In summary, the available evidence is currently insufficient to determine the role of this variant in disease. Therefore, it has been classified as a Variant of Uncertain Significance.

Ambry Genetics
Classification: Uncertain significance. Last evaluated: 2025-02-27. Review status: criteria provided, single submitter. Criteria: Ambry Variant Classification Scheme 2023. Collection method: clinical testing. Allele origin: germline.

NM_012431.3(SEMA3E):c.1850A>T (p.Lys617Ile)

Gene: SEMA3E (semaphorin 3E; minus strand). Cytogenetic location: 7q21.11.
Variant type: single nucleotide variant.
Coding change: c.1850A>T on transcript NM_012431.3 (MANE Select); coding-DNA position 1850, A replaced by T.
Protein change: p.Lys617Ile; replaces lysine 617 with isoleucine.
Molecular consequence: missense variant.
Genome position (GRCh38, 1-based): chr7:83,385,319, T>A on the plus strand (A>T on the coding strand, the complement: SEMA3E is on the minus strand). VCF-style: chr7-83385319-T-A. GRCh37 (hg19) VCF-style: chr7-83014635-T-A.
Other names: c.1670A>T, p.Lys557Ile (NM_001178129.2); short protein forms K617I, K557I.
Identifiers: ClinVar variation 3794048 (VCV003794048.2).